The following is an entry in ClinVar:

NM_001814.6(CTSC):c.1201G>A (p.Glu401Lys)

Gene: CTSC (cathepsin C; minus strand). Cytogenetic location: 11q14.2.
Variant type: single nucleotide variant.
Coding change: c.1201G>A on transcript NM_001814.6 (MANE Select); coding-DNA position 1201, G replaced by A.
Protein change: p.Glu401Lys; replaces glutamic acid 401 with lysine.
Molecular consequence: missense variant.
Genome position (GRCh38, 1-based): chr11:88,294,197, C>T on the plus strand (G>A on the coding strand, the complement: CTSC is on the minus strand). VCF-style: chr11-88294197-C-T. GRCh37 (hg19) VCF-style: chr11-88027365-C-T.
Other names: short protein forms E401K.
Identifiers: ClinVar variation 647363 (VCV000647363.16), dbSNP rs200627023, ClinGen allele CA6219756.

ClinVar aggregate classification (germline): Uncertain significance. Review status: criteria provided, multiple submitters, no conflicts (2 of 4 stars). 8 submissions from 7 submitters: Uncertain significance (6). 2 of the submissions do not count toward it. Last evaluated 2024-11-18.

Conditions:
Papillon-Lefèvre syndrome (PALS). Also called: KERATOSIS PALMOPLANTARIS WITH PERIODONTOPATHIA; Papillon-Lefevre Disease. Identifiers: Orphanet 678, MedGen C0030360, MONDO:0009490, OMIM 245000.
Haim-Munk syndrome (HMS). Also called: KERATOSIS PALMOPLANTARIS WITH PERIODONTOPATHIA AND ONYCHOGRYPOSIS; COCHIN JEWISH DISORDER. Identifiers: Orphanet 2342, MedGen C1855627, MONDO:0009491, OMIM 245010.
Periodontitis, aggressive. Identifiers: MedGen C0031106, MONDO:0980757.

Allele frequency attached by ClinVar (database versions not stated): gnomAD 0.00008 and 0.00009; gnomAD exomes 0.00008 and 0.00016; ExAC 0.00011; TOPMed 0.00013.
gnomAD v4.1: 147 of 1,613,912 alleles (0.0091%); highest among the groups gnomAD compares: Middle Eastern, 0.23%; no homozygotes.

Submissions (8):

Labcorp Genetics (formerly Invitae), Labcorp
Classification: Uncertain significance for Haim-Munk syndrome; Periodontitis, aggressive; Papillon-Lefèvre syndrome. Last evaluated: 2024-11-18. Review status: criteria provided, single submitter. Criteria: Invitae Variant Classification Sherloc (09022015). Collection method: clinical testing. Allele origin: germline.
Comment: This sequence change replaces glutamic acid, which is acidic and polar, with lysine, which is basic and polar, at codon 401 of the CTSC protein (p.Glu401Lys). This variant is present in population databases (rs200627023, gnomAD 0.06%). This variant has not been reported in the literature in individuals affected with CTSC-related conditions. ClinVar contains an entry for this variant (Variation ID: 647363). Invitae Evidence Modeling of protein sequence and biophysical properties (such as structural, functional, and spatial information, amino acid conservation, physicochemical variation, residue mobility, and thermodynamic stability) indicates that this missense variant is not expected to disrupt CTSC protein function with a negative predictive value of 80%. In summary, the available evidence is currently insufficient to determine the role of this variant in disease. Therefore, it has been classified as a Variant of Uncertain Significance.

Blueprint Genetics
Classification: Uncertain significance. Last evaluated: 2024-08-30. Review status: criteria provided, single submitter. Criteria: ACMG Guidelines, 2015. Collection method: clinical testing. Allele origin: germline.

AiLife Diagnostics
Classification: Uncertain significance. Last evaluated: 2020-07-02. Review status: criteria provided, single submitter. Criteria: ACMG Guidelines, 2015. Collection method: clinical testing. Allele origin: germline. Affected: yes. Observed: 1 variant allele.

Illumina Laboratory Services, Illumina
Classification: Uncertain significance for Papillon-Lefèvre syndrome. Last evaluated: 2018-01-12. Review status: criteria provided, single submitter. Criteria: ICSL Variant Classification Criteria 13 December 2019. Collection method: clinical testing. Allele origin: germline.

Illumina Laboratory Services, Illumina
Classification: Uncertain significance for Haim-Munk syndrome. Last evaluated: 2018-01-12. Review status: criteria provided, single submitter. Criteria: ICSL Variant Classification Criteria 13 December 2019. Collection method: clinical testing. Allele origin: germline.

Center for Genomics, Ann and Robert H. Lurie Children's Hospital of Chicago
Classification: Uncertain significance for Haim-Munk syndrome; Papillon-Lefèvre syndrome; Periodontitis, aggressive 1. Review status: criteria provided, single submitter. Criteria: ACMG Guidelines, 2015. Collection method: clinical testing. Allele origin: germline.
Comment: CTSC NM_001814.5 exon 7 p.Glu401Lys (c.1201G>A):This variant has been reported in the literature in 1 family with Papillon-Lefevre syndrome, however this variant was not present in the affected individual in the family and a different variant was identified in the affected individual that is likely causative of disease (Lefevre 2001 PMID:11886537). This variant is present in 0.03% (5/15246) of Latino alleles in the Genome Aggregation Database. This variant is present in ClinVar (Variation ID:647363). Evolutionary conservation and computational predictive tools for this variant are unclear. In summary, data on this variant is insufficient for disease classification. Therefore, the clinical significance of this variant is uncertain

Clinical Genetics DNA and cytogenetics Diagnostics Lab, Erasmus MC, Erasmus Medical Center
Classification: Uncertain significance. Review status: no assertion criteria provided. Collection method: clinical testing. Allele origin: germline. Affected: yes. Study: VKGL Data-share Consensus. Not counted in ClinVar's aggregate classification.

Diagnostic Laboratory, Department of Genetics, University Medical Center Groningen
Classification: Uncertain significance. Review status: no assertion criteria provided. Collection method: clinical testing. Allele origin: germline. Affected: yes. Study: VKGL Data-share Consensus. Not counted in ClinVar's aggregate classification.